The following is an entry in ClinVar:

NM_001005273.3(CHD3):c.3362G>A (p.Arg1121Gln)

Gene: CHD3 (chromodomain helicase DNA binding protein 3; plus strand). Cytogenetic location: 17p13.1.
Variant type: single nucleotide variant.
Coding change: c.3362G>A on transcript NM_001005273.3 (MANE Select); coding-DNA position 3362, G replaced by A.
Protein change: p.Arg1121Gln; replaces arginine 1121 with glutamine.
Molecular consequence: missense variant.
Genome position (GRCh38, 1-based): chr17:7,902,719, G>A. VCF-style: chr17-7902719-G-A. GRCh37 (hg19) VCF-style: chr17-7806037-G-A.
Other names: c.3539G>A, p.Arg1180Gln (NM_001005271.3); c.3362G>A, p.Arg1121Gln (NM_005852.4); short protein forms R1121Q, R1180Q.
Identifiers: ClinVar variation 1311568 (VCV001311568.2), dbSNP rs1567860112, ClinGen allele CA397941703.

ClinVar aggregate classification (germline): Uncertain significance (1 of 4 stars; one submission).

Allele frequency attached by ClinVar (database versions not stated): gnomAD exomes below 0.00001.
gnomAD v4.1: 2 of 1,613,386 alleles (0.00012%); highest among the groups gnomAD compares: Non-Finnish European, 0.00017%; no homozygotes.

Submission:

GeneDx
Classification: Uncertain significance. Last evaluated: 2020-01-16. Review status: criteria provided, single submitter. Criteria: GeneDx Variant Classification Process June 2021. Collection method: clinical testing. Allele origin: germline. Affected: yes.
Comment: Not observed in large population cohorts (Lek et al., 2016); In silico analysis, which includes protein predictors and evolutionary conservation, supports a deleterious effect; Has not been previously published as pathogenic or benign to our knowledge